The following is an entry in ClinVar:

ClinVar aggregate classification (germline): Pathogenic (1 of 4 stars; one submission).

Conditions:
Cohen syndrome (COH1). Also called: Cutis verticis gyrata, retinitis pigmentosa, and sensorineural deafness; PEPPER SYNDROME. Identifiers: Orphanet 193, MedGen C0265223, MONDO:0008999, OMIM 216550.

Submission:

Labcorp Genetics (formerly Invitae), Labcorp
Classification: Pathogenic for Cohen syndrome. Last evaluated: 2023-08-28. Review status: criteria provided, single submitter. Criteria: Invitae Variant Classification Sherloc (09022015). Collection method: clinical testing. Allele origin: unknown.
Comment: For these reasons, this variant has been classified as Pathogenic. A similar copy number variant has been observed in individual(s) with clinical features of Cohen syndrome (PMID: 21850686). This variant is a gross deletion of the genomic region encompassing exon(s) 20-24 of the VPS13B gene. This deletion is out-of-frame, and is expected to create a premature termination codon and result in an absent or disrupted protein product. Loss-of-function variants in VPS13B are known to be pathogenic (PMID: 15141358, 16648375, 20461111).

Literature cited by the submitters: PubMed 21850686; PubMed 15141358; PubMed 16648375; PubMed 20461111.

NC_000008.10:g.(?_100396416)_(100479882_?)del

Gene: VPS13B (vacuolar protein sorting 13 homolog B; plus strand). Cytogenetic location: 8q22.2.
Variant type: Deletion.
Identifiers: ClinVar variation 3245442 (VCV003245442.1).